The following is an entry in ClinVar:

NM_001640.4(APEH):c.1965G>A (p.Ser655=)

Gene: APEH (acylaminoacyl-peptide hydrolase; plus strand). Cytogenetic location: 3p21.31.
Variant type: single nucleotide variant.
Coding change: c.1965G>A on transcript NM_001640.4 (MANE Select); coding-DNA position 1965, G replaced by A.
Protein change: p.Ser655=; no amino-acid change (serine 655 retained).
Molecular consequence: synonymous variant.
Genome position (GRCh38, 1-based): chr3:49,682,924, G>A. VCF-style: chr3-49682924-G-A. GRCh37 (hg19) VCF-style: chr3-49720357-G-A.
Identifiers: ClinVar variation 2653840 (VCV002653840.24), dbSNP rs41290718, ClinGen allele CA2402303.

ClinVar aggregate classification (germline): Likely benign (1 of 4 stars; one submission).

Allele frequency attached by ClinVar (database versions not stated): gnomAD 0.00138; ESP Exome Variant Server 0.00146; TOPMed 0.00150; 1000 Genomes Project 30x 0.00187; 1000 Genomes Project 0.00220.
gnomAD v4.1: 2,600 of 1,613,832 alleles (0.16%); highest among the groups gnomAD compares: Middle Eastern, 0.41%; 10 homozygotes.

Submission:

CeGaT Center for Human Genetics Tuebingen
Classification: Likely benign. Last evaluated: 2022-04-01. Review status: criteria provided, single submitter. Criteria: CeGaT Center For Human Genetics Tuebingen Variant Classification Criteria Version 2. Collection method: clinical testing. Allele origin: germline. Affected: yes. Observed: 1 variant allele.
Comment: APEH: BP4, BP7